The following is an entry in ClinVar:

NM_007294.4(BRCA1):c.30dup (p.Val11fs)

Gene: BRCA1 (BRCA1 DNA repair associated; minus strand). Cytogenetic location: 17q21.31.
Variant type: Duplication.
Coding change: c.30dup on transcript NM_007294.4 (MANE Select); coding-DNA position 30, one base duplicated (A; older notation c.30dupA).
Protein change: p.Val11fs; shifts the reading frame from valine 11.
Molecular consequence: frameshift variant. On other transcripts: 5 prime UTR variant (136), intron variant (36).
Genome position (GRCh38, 1-based): chr17:43,124,067, T duplicated on the plus strand (A on the coding strand, the reverse complement: BRCA1 is on the minus strand); the first of 2 consecutive T bases (chr17:43,124,067-43,124,068); duplicating either gives the same sequence. VCF-style (leftmost placement, unchanged base first): chr17-43124066-C-CT. GRCh37 (hg19) VCF-style: chr17-41276083-C-CT.
Other names: c.30dup, p.Val11fs (NM_001408408.1, NM_001408409.1, NM_001408411.1 and 192 more transcripts); c.-231dup (NM_001408410.1, NM_001407921.1, NM_001407923.1 and 22 more transcripts); c.-8+1210dup (NM_001407747.1, NM_001407931.1); c.-224+1210dup (NM_001407962.1, NM_001408512.1, NM_001408510.1); c.-109+1210dup (NM_001407885.1); c.-62+1210dup (NM_001408470.1, NM_001407848.1, NM_001407839.1 and 6 more transcripts); c.-178+1210dup (NM_001407746.1); c.-219+1204dup (NM_001407966.1); and 24 more; short protein forms V11fs.
Identifiers: ClinVar variation 4852577 (VCV004852577.1).

ClinVar aggregate classification (somatic clinical impact): Tier III - Unknown (0 of 4 stars; one submission).

Conditions:
Familial cancer of breast. Also called: BREAST CANCER, FAMILIAL; Hereditary breast cancer; hereditary breast carcinoma. Identifiers: Orphanet 227535, MedGen C0346153, MONDO:0016419, OMIM 114480. Disease mechanism: loss of function.

Submission:

Faculté Pluridciplinaire Nador, Université Mohamed Premier
Classification: Tier III - Unknown for Familial cancer of breast. Review status: no assertion criteria provided. Collection method: research. Allele origin: somatic. Affected: yes.
Comment: The following databases and algorithms are used to annotate and evaluate the impact of the variant in the context of human disease: 1000 genomes, gnomAD, ClinVar, OMIM, dbSNP, NCIB RefSeq Genes, ExAC Gene Constraints, VS-SIFT, VS-PolyPhen2, PhyloP, GERP++, GeneSplicer, MaxEntScan, NNSplice, PWM Splice Predictor.